The following is an entry in ClinVar:

NM_004360.5(CDH1):c.713A>G (p.Asn238Ser)

Gene: CDH1 (cadherin 1; plus strand). Cytogenetic location: 16q22.1.
Variant type: single nucleotide variant.
Coding change: c.713A>G on transcript NM_004360.5 (MANE Select); coding-DNA position 713, A replaced by G.
Protein change: p.Asn238Ser; replaces asparagine 238 with serine.
Molecular consequence: missense variant. On other transcripts: 5 prime UTR variant (2).
Genome position (GRCh38, 1-based): chr16:68,810,222, A>G. VCF-style: chr16-68810222-A-G. GRCh37 (hg19) VCF-style: chr16-68844125-A-G.
Other names: c.713A>G, p.Asn238Ser (NM_001317184.2); c.-903A>G (NM_001317185.2); c.-1107A>G (NM_001317186.2); short protein forms N238S.
Identifiers: ClinVar variation 2097085 (VCV002097085.8), dbSNP rs1960780386, ClinGen allele CA396458440.

ClinVar aggregate classification (germline): Conflicting classifications of pathogenicity. Review status: criteria provided, conflicting classifications (1 of 4 stars). 3 submissions from 3 submitters: Uncertain significance (2); Likely benign (1). Last evaluated 2026-07-06.

Conditions:
Hereditary diffuse gastric adenocarcinoma (HDGC). Also called: DIFFUSE GASTRIC AND LOBULAR BREAST CANCER SYNDROME. Identifiers: Orphanet 26106, MedGen C1708349, MONDO:0007648, OMIM 137215.
Hereditary cancer-predisposing syndrome. Also called: Tumor predisposition; Hereditary Cancer Syndrome; Hereditary neoplastic syndrome; Neoplastic Syndromes, Hereditary. Identifiers: Orphanet 140162, MedGen C0027672, MeSH D009386, MONDO:0015356.

Allele frequency attached by ClinVar (database versions not stated): gnomAD 0.00001; gnomAD exomes below 0.00001.
gnomAD v4.1: 2 of 1,613,982 alleles (0.00012%); highest among the groups gnomAD compares: South Asian, 0.0022%; no homozygotes.

Submissions (3):

Ambry Genetics
Classification: Likely benign for Hereditary cancer-predisposing syndrome. Last evaluated: 2026-07-06. Review status: criteria provided, single submitter. Criteria: Ambry Variant Classification Scheme 2023. Collection method: clinical testing. Allele origin: germline.

Labcorp Genetics (formerly Invitae), Labcorp
Classification: Uncertain significance for Hereditary diffuse gastric adenocarcinoma. Last evaluated: 2025-06-25. Review status: criteria provided, single submitter. Criteria: Invitae Variant Classification Sherloc (09022015). Collection method: clinical testing. Allele origin: germline.
Comment: This sequence change replaces asparagine, which is neutral and polar, with serine, which is neutral and polar, at codon 238 of the CDH1 protein (p.Asn238Ser). This variant is not present in population databases (gnomAD no frequency). This variant has not been reported in the literature in individuals affected with CDH1-related conditions. ClinVar contains an entry for this variant (Variation ID: 2097085). An algorithm developed to predict the effect of missense changes on protein structure and function (PolyPhen-2) suggests that this variant is likely to be tolerated. In summary, the available evidence is currently insufficient to determine the role of this variant in disease. Therefore, it has been classified as a Variant of Uncertain Significance.

Institute of Human Genetics, University of Leipzig Medical Center
Classification: Uncertain significance for Hereditary diffuse gastric adenocarcinoma. Last evaluated: 2025-01-10. Review status: criteria provided, single submitter. Criteria: ACMG Guidelines, 2015. Collection method: clinical testing. Allele origin: unknown. Inheritance: Autosomal dominant inheritance. Affected: yes.
Comment: Criteria applied: PM2